The following is an entry in ClinVar:

NM_000142.5(FGFR3):c.1646-11C>A

Gene: FGFR3 (fibroblast growth factor receptor 3; plus strand). Cytogenetic location: 4p16.3.
Variant type: single nucleotide variant.
Coding change: c.1646-11C>A on transcript NM_000142.5 (MANE Select); 11 bases into the intron before coding-DNA position 1646, C replaced by A.
Molecular consequence: intron variant.
Genome position (GRCh38, 1-based): chr4:1,805,739, C>A. VCF-style: chr4-1805739-C-A. GRCh37 (hg19) VCF-style: chr4-1807466-C-A.
Other names: c.1652-11C>A (NM_001163213.2); c.1649-11C>A (NM_001354809.2, NM_001354810.2); c.1310-11C>A (NM_022965.4).
Identifiers: ClinVar variation 1314671 (VCV001314671.7), dbSNP rs763302590, ClinGen allele CA2810524.

ClinVar aggregate classification (germline): Conflicting classifications of pathogenicity. Review status: criteria provided, conflicting classifications (1 of 4 stars). 2 submissions from 2 submitters: Uncertain significance (1); Likely benign (1). Last evaluated 2025-07-06.

gnomAD v4.1: 26 of 1,612,132 alleles (0.0016%); highest among the groups gnomAD compares: Admixed American, 0.038%; no homozygotes.

Submissions (2):

Labcorp Genetics (formerly Invitae), Labcorp
Classification: Likely benign. Last evaluated: 2025-07-06. Review status: criteria provided, single submitter. Criteria: Invitae Variant Classification Sherloc (09022015). Collection method: clinical testing. Allele origin: germline.

GeneDx
Classification: Uncertain significance. Last evaluated: 2022-03-15. Review status: criteria provided, single submitter. Criteria: GeneDx Variant Classification Process June 2021. Collection method: clinical testing. Allele origin: germline. Affected: yes.
Comment: In-silico analysis is inconclusive as to whether the variant alters gene splicing. In the absence of RNA/functional studies, the actual effect of this sequence change is unknown.; Has not been previously published as pathogenic or benign to our knowledge